The following is an entry in ClinVar:

NM_002834.5(PTPN11):c.634_638del (p.Leu212fs)

Gene: PTPN11 (protein tyrosine phosphatase non-receptor type 11; plus strand). Cytogenetic location: 12q24.13.
Variant type: Deletion.
Coding change: c.634_638del on transcript NM_002834.5 (MANE Select); coding-DNA positions 634 to 638, 5 bases deleted (CTCAA; older notation c.634_638delCTCAA).
Protein change: p.Leu212fs; shifts the reading frame from leucine 212.
Molecular consequence: frameshift variant.
Genome position (GRCh38, 1-based): chr12:112,454,672-112,454,676, CTCAA deleted; deleting any 5 consecutive bases within chr12:112,454,669-112,454,676 gives the same sequence; the c. name uses the placement nearest the transcript's 3' end. VCF-style (leftmost placement, unchanged base first): chr12-112454668-ACAACT-A. GRCh37 (hg19) VCF-style: chr12-112892472-ACAACT-A.
Other names: c.634_638del, p.Leu212fs (NM_001330437.2, NM_080601.3); c.631_635del, p.Leu211fs (NM_001374625.1); short protein forms L211fs, L212fs.
Identifiers: ClinVar variation 942066 (VCV000942066.7), dbSNP rs2038127324, ClinGen allele CA1139662890.
Genomic context (GRCh38, chr12:112,454,668, plus strand): 5'-GACAGATCTTGTGGAACATTATAAGAAGAATCCTATGGTGGAAACATTGGGTACAGTACT[ACAACT>A]CAAGCAGGTGAGCAGATTGGAAAGCTCAAGCTTTCTCCTTAAAAACTTAAAACAAATCCT-3'

ClinVar aggregate classification (germline): Pathogenic (1 of 4 stars; one submission).

Conditions:
RASopathy. Also called: Noonan spectrum disorder; rasopathies. Identifiers: Orphanet 536391, MedGen C5555857, MONDO:0021060.

Submission:

Labcorp Genetics (formerly Invitae), Labcorp
Classification: Pathogenic for RASopathy. Last evaluated: 2019-07-20. Review status: criteria provided, single submitter. Criteria: Invitae Variant Classification Sherloc (09022015). Collection method: clinical testing. Allele origin: germline.
Comment: This sequence change creates a premature translational stop signal (p.Leu212Alafs*4) in the PTPN11 gene. It is expected to result in an absent or disrupted protein product. This variant is not present in population databases (ExAC no frequency). This variant has not been reported in the literature in individuals with PTPN11-related conditions. Loss-of-function variants in PTPN11 are known to be pathogenic (PMID: 20577567, 21533187). For these reasons, this variant has been classified as Pathogenic.

Literature cited by the submitters: PubMed 20577567; PubMed 21533187.